The following is an entry in ClinVar:

NM_001370259.2(MEN1):c.176C>T (p.Pro59Leu)

Gene: MEN1 (menin 1; minus strand). Cytogenetic location: 11q13.1.
Variant type: single nucleotide variant.
Coding change: c.176C>T on transcript NM_001370259.2 (MANE Select); coding-DNA position 176, C replaced by T.
Protein change: p.Pro59Leu; replaces proline 59 with leucine.
Molecular consequence: missense variant. On other transcripts: non-coding transcript variant (4).
Genome position (GRCh38, 1-based): chr11:64,809,934, G>A on the plus strand (C>T on the coding strand, the complement: MEN1 is on the minus strand). VCF-style: chr11-64809934-G-A. GRCh37 (hg19) VCF-style: chr11-64577406-G-A.
Other names: c.176C>T, p.Pro59Leu (NM_000244.4, NM_001370251.2, NM_001370260.2 and 20 more transcripts); short protein forms P59L.
Identifiers: ClinVar variation 3229083 (VCV003229083.2), dbSNP rs768445858, ClinGen allele CA060951.

ClinVar aggregate classification (germline): Uncertain significance (1 of 4 stars; one submission).

Conditions:
Hereditary cancer-predisposing syndrome. Also called: Neoplastic Syndromes, Hereditary; Tumor predisposition; Hereditary Cancer Syndrome; Hereditary neoplastic syndrome. Identifiers: Orphanet 140162, MedGen C0027672, MeSH D009386, MONDO:0015356.

Allele frequency attached by ClinVar (database versions not stated): ExAC 0.00002; gnomAD exomes below 0.00001.

Submission:

Ambry Genetics
Classification: Uncertain significance for Hereditary cancer-predisposing syndrome. Last evaluated: 2026-08-07. Review status: criteria provided, single submitter. Criteria: Ambry Variant Classification Scheme 2023. Collection method: clinical testing. Allele origin: germline.
Comment: The p.P59L variant (also known as c.176C>T), located in coding exon 1 of the MEN1 gene, results from a C to T substitution at nucleotide position 176. The proline at codon 59 is replaced by leucine, an amino acid with similar properties. This amino acid position is highly conserved in available vertebrate species. In addition, this alteration is predicted to be deleterious by in silico analysis. Based on the available evidence, the clinical significance of this variant remains unclear.